The following is an entry in ClinVar:

ClinVar aggregate classification (germline): Conflicting classifications of pathogenicity. Review status: criteria provided, conflicting classifications (1 of 4 stars). 3 submissions from 3 submitters: Uncertain significance (2); Likely benign (1). Last evaluated 2026-02-10.

Conditions:
Hereditary cancer-predisposing syndrome. Also called: Neoplastic Syndromes, Hereditary; Tumor predisposition; Hereditary neoplastic syndrome; Hereditary Cancer Syndrome. Identifiers: Orphanet 140162, MedGen C0027672, MeSH D009386, MONDO:0015356.
Hereditary diffuse gastric adenocarcinoma (HDGC). Also called: DIFFUSE GASTRIC AND LOBULAR BREAST CANCER SYNDROME. Identifiers: Orphanet 26106, MedGen C1708349, MONDO:0007648, OMIM 137215.

Allele frequency attached by ClinVar (database versions not stated): gnomAD 0.00001; TOPMed below 0.00001.
gnomAD v4.1: 2 of 1,614,084 alleles (0.00012%); highest among the groups gnomAD compares: Non-Finnish European, 0.00017%; no homozygotes.

Submissions (3):

Ambry Genetics
Classification: Likely benign for Hereditary cancer-predisposing syndrome. Last evaluated: 2026-02-10. Review status: criteria provided, single submitter. Criteria: Ambry Variant Classification Scheme 2023. Collection method: clinical testing. Allele origin: germline.

Labcorp Genetics (formerly Invitae), Labcorp
Classification: Uncertain significance for Hereditary diffuse gastric adenocarcinoma. Last evaluated: 2024-01-04. Review status: criteria provided, single submitter. Criteria: Invitae Variant Classification Sherloc (09022015). Collection method: clinical testing. Allele origin: germline.
Comment: This sequence change replaces serine, which is neutral and polar, with threonine, which is neutral and polar, at codon 327 of the CDH1 protein (p.Ser327Thr). This variant is not present in population databases (gnomAD no frequency). This variant has not been reported in the literature in individuals affected with CDH1-related conditions. ClinVar contains an entry for this variant (Variation ID: 463798). An algorithm developed to predict the effect of missense changes on protein structure and function (PolyPhen-2) suggests that this variant is likely to be tolerated. In summary, the available evidence is currently insufficient to determine the role of this variant in disease. Therefore, it has been classified as a Variant of Uncertain Significance.

Color Diagnostics, LLC DBA Color Health
Classification: Uncertain significance for Hereditary cancer-predisposing syndrome. Last evaluated: 2023-12-05. Review status: criteria provided, single submitter. Criteria: ACMG Guidelines, 2015. Collection method: clinical testing. Allele origin: germline.
Comment: This missense variant replaces serine with threonine at codon 327 of the CDH1 protein. To our knowledge, functional studies have not been reported for this variant. This variant has not been reported in individuals affected with CDH1-related disorders in the literature. This variant has not been identified in the general population by the Genome Aggregation Database (gnomAD). The available evidence is insufficient to determine the role of this variant in disease conclusively. Therefore, this variant is classified as a Variant of Uncertain Significance.

NM_004360.5(CDH1):c.980G>C (p.Ser327Thr)

Gene: CDH1 (cadherin 1; plus strand). Cytogenetic location: 16q22.1.
Variant type: single nucleotide variant.
Coding change: c.980G>C on transcript NM_004360.5 (MANE Select); coding-DNA position 980, G replaced by C.
Protein change: p.Ser327Thr; replaces serine 327 with threonine.
Molecular consequence: missense variant. On other transcripts: 5 prime UTR variant (2).
Genome position (GRCh38, 1-based): chr16:68,811,831, G>C. VCF-style: chr16-68811831-G-C. GRCh37 (hg19) VCF-style: chr16-68845734-G-C.
Other names: c.980G>C (LRG_301t1); c.980G>C, p.Ser327Thr (NM_001317184.2); c.-636G>C (NM_001317185.2); c.-840G>C (NM_001317186.2); short protein forms S327T.
Identifiers: ClinVar variation 463798 (VCV000463798.16), dbSNP rs587781778, ClinGen allele CA396459854.